The following is an entry in ClinVar:

NM_005120.3(MED12):c.5709T>A (p.Pro1903=)

Gene: MED12 (mediator complex subunit 12; plus strand). Cytogenetic location: Xq13.1.
Variant type: single nucleotide variant.
Coding change: c.5709T>A on transcript NM_005120.3 (MANE Select); coding-DNA position 5709, T replaced by A.
Protein change: p.Pro1903=; no amino-acid change (proline 1903 retained).
Molecular consequence: synonymous variant.
Genome position (GRCh38, 1-based): chrX:71,137,344, T>A. VCF-style: chrX-71137344-T-A. GRCh37 (hg19) VCF-style: chrX-70357194-T-A.
Identifiers: ClinVar variation 681033 (VCV000681033.1), dbSNP rs1602304963, ClinGen allele CA516820072.

ClinVar aggregate classification (germline): Likely benign (1 of 4 stars; one submission).

Submission:

GeneDx
Classification: Likely benign. Last evaluated: 2018-03-22. Review status: criteria provided, single submitter. Criteria: GeneDx Variant Classification (06012015). Collection method: clinical testing. Allele origin: germline. Affected: yes.
Comment: This variant is considered likely benign or benign based on one or more of the following criteria: it is a conservative change, it occurs at a poorly conserved position in the protein, it is predicted to be benign by multiple in silico algorithms, and/or has population frequency not consistent with disease.